The following is an entry in ClinVar:

ClinVar aggregate classification (germline): Pathogenic (1 of 4 stars; one submission).

Submission:

GeneDx
Classification: Pathogenic. Last evaluated: 2026-02-24. Review status: criteria provided, single submitter. Criteria: GeneDx Variant Classification Process June 2021. Collection method: clinical testing. Allele origin: germline.
Comment: Nonsense variant predicted to result in protein truncation or nonsense mediated decay in a gene for which loss of function is a known mechanism of disease; Not observed at significant frequency in large population cohorts (gnomAD); Has not been previously published as pathogenic or benign to our knowledge

NM_015100.4(POGZ):c.1608C>G (p.Tyr536Ter)

Gene: POGZ (pogo transposable element derived with ZNF domain; minus strand). Cytogenetic location: 1q21.3.
Variant type: single nucleotide variant.
Coding change: c.1608C>G on transcript NM_015100.4 (MANE Select); coding-DNA position 1608, C replaced by G.
Protein change: p.Tyr536Ter; replaces tyrosine 536 with a stop codon.
Molecular consequence: nonsense.
Genome position (GRCh38, 1-based): chr1:151,423,467, G>C on the plus strand (C>G on the coding strand, the complement: POGZ is on the minus strand). VCF-style: chr1-151423467-G-C. GRCh37 (hg19) VCF-style: chr1-151395943-G-C.
Other names: c.1449C>G, p.Tyr483Ter (NM_207171.2); c.1581C>G, p.Tyr527Ter (NM_001194937.2); c.1422C>G, p.Tyr474Ter (NM_001194938.2); c.1629C>G, p.Tyr543Ter (NM_001410860.1); c.1323C>G, p.Tyr441Ter (NM_145796.4); short protein forms Y441*, Y474*, Y483*, Y527*, Y536*, Y543*.
Identifiers: ClinVar variation 3365529 (VCV003365529.2).
Genomic context (GRCh38, chr1:151,423,467, plus strand): 5'-ATAGGGACTATGAACATTTTCCAAGTGGCACTGAAGCTGGAAGGGAGTGGAAAACTGGCG[G>C]TAACAGTGCTGGCAGATAGTGTGACCATCTACCTCACCGTTCTGCTGATCGAGTTCTACG-3'